The following is an entry in ClinVar:

NM_138459.5(NUS1):c.100A>G (p.Asn34Asp)

Gene: NUS1 (NUS1 dehydrodolichyl diphosphate synthase subunit; plus strand). Cytogenetic location: 6q22.1.
Variant type: single nucleotide variant.
Coding change: c.100A>G on transcript NM_138459.5 (MANE Select); coding-DNA position 100, A replaced by G.
Protein change: p.Asn34Asp; replaces asparagine 34 with aspartic acid.
Molecular consequence: missense variant.
Genome position (GRCh38, 1-based): chr6:117,675,770, A>G. VCF-style: chr6-117675770-A-G. GRCh37 (hg19) VCF-style: chr6-117996933-A-G.
Other names: short protein forms N34D.
Identifiers: ClinVar variation 936018 (VCV000936018.10), dbSNP rs934670535, ClinGen allele CA146431377.

ClinVar aggregate classification (germline): Uncertain significance. Review status: criteria provided, multiple submitters, no conflicts (2 of 4 stars). 2 submissions from 2 submitters: Uncertain significance (2). Last evaluated 2025-09-01.

Conditions:
Congenital disorder of glycosylation, type Iaa. Also called: Congenital disorder of glycosylation, type 1aa. Identifiers: MedGen C4310727, MONDO:0014904, OMIM 617082.
Inborn genetic diseases. Identifiers: MedGen C0950123, MeSH D030342.

Allele frequency attached by ClinVar (database versions not stated): gnomAD exomes 0.00001.
gnomAD v4.1: 34 of 1,558,868 alleles (0.0022%); highest among the groups gnomAD compares: Non-Finnish European, 0.0029%; no homozygotes.

Submissions (2):

Ambry Genetics
Classification: Uncertain significance for Inborn genetic diseases. Last evaluated: 2025-09-01. Review status: criteria provided, single submitter. Criteria: Ambry Variant Classification Scheme 2023. Collection method: clinical testing. Allele origin: germline.

Labcorp Genetics (formerly Invitae), Labcorp
Classification: Uncertain significance for Congenital disorder of glycosylation, type Iaa. Last evaluated: 2023-01-14. Review status: criteria provided, single submitter. Criteria: Invitae Variant Classification Sherloc (09022015). Collection method: clinical testing. Allele origin: germline.
Comment: In summary, the available evidence is currently insufficient to determine the role of this variant in disease. Therefore, it has been classified as a Variant of Uncertain Significance. Algorithms developed to predict the effect of missense changes on protein structure and function (SIFT, PolyPhen-2, Align-GVGD) all suggest that this variant is likely to be tolerated. ClinVar contains an entry for this variant (Variation ID: 936018). This variant has not been reported in the literature in individuals affected with NUS1-related conditions. The frequency data for this variant in the population databases is considered unreliable, as metrics indicate poor data quality at this position in the gnomAD database. This sequence change replaces asparagine, which is neutral and polar, with aspartic acid, which is acidic and polar, at codon 34 of the NUS1 protein (p.Asn34Asp).